The following is an entry in ClinVar:

NC_000021.8:g.(?_27253981)_(27277409_?)del

Gene: APP (amyloid beta precursor protein; minus strand). Cytogenetic location: 21q21.3.
Variant type: Deletion.
Identifiers: ClinVar variation 1510800 (VCV001510800.6).

ClinVar aggregate classification (germline): Uncertain significance (1 of 4 stars; one submission).

Conditions:
Alzheimer disease. Also called: Presenile and senile dementia; Alzheimer's disease. Identifiers: Orphanet 1020, MedGen C0002395, MeSH D000544, MONDO:0004975, HP:0002511.

Submission:

Labcorp Genetics (formerly Invitae), Labcorp
Classification: Uncertain significance for Alzheimer disease. Last evaluated: 2021-08-14. Review status: criteria provided, single submitter. Criteria: Invitae Variant Classification Sherloc (09022015). Collection method: clinical testing. Allele origin: germline.
Comment: This variant is a gross deletion of the genomic region encompassing exon(s) 15-18 of the APP gene, which includes the termination codon. This deletion extends beyond the assayed region for this gene and therefore may encompass additional genes. While this deletion is not anticipated to lead to nonsense mediated decay, it is expected to alter mRNA translation or result in a truncated protein product. This variant has not been reported in the literature in individuals affected with APP-related conditions. In summary, the available evidence is currently insufficient to determine the role of this variant in disease. Therefore, it has been classified as a Variant of Uncertain Significance.